The following is an entry in ClinVar:

ClinVar aggregate classification (germline): Pathogenic (1 of 4 stars; one submission).

Conditions:
Hereditary breast ovarian cancer syndrome. Also called: Hereditary breast and ovarian cancer; Hereditary breast and ovarian cancer syndrome; BRCA1- and BRCA2-Associated Hereditary Breast and Ovarian Cancer; Hereditary breast and ovarian cancer syndrome (HBOC); Breast and ovarian cancer; Hereditary breast and/or ovarian cancer syndrome. Identifiers: Orphanet 145, MedGen C0677776, MeSH D061325, MONDO:0003582. Disease mechanism: loss of function.

Submission:

Labcorp Genetics (formerly Invitae), Labcorp
Classification: Pathogenic for Hereditary breast ovarian cancer syndrome. Last evaluated: 2024-05-18. Review status: criteria provided, single submitter. Criteria: Invitae Variant Classification Sherloc (09022015). Collection method: clinical testing. Allele origin: germline.
Comment: This sequence change creates a premature translational stop signal (p.Leu105*) in the BRCA2 gene. It is expected to result in an absent or disrupted protein product. Loss-of-function variants in BRCA2 are known to be pathogenic (PMID: 20104584). This variant is not present in population databases (gnomAD no frequency). A different variant (c.314T>G) giving rise to the same protein effect has been determined to be pathogenic (PMID: 14735197, 25682074). This suggests that this variant is also likely to be causative of disease. ClinVar contains an entry for this variant (Variation ID: 647876). For these reasons, this variant has been classified as Pathogenic.

Literature cited by the submitters: PubMed 20104584; PubMed 14735197; PubMed 25682074.

NM_000059.4(BRCA2):c.314T>A (p.Leu105Ter)

Gene: BRCA2 (BRCA2 DNA repair associated; plus strand). Cytogenetic location: 13q13.1.
Variant type: single nucleotide variant.
Coding change: c.314T>A on transcript NM_000059.4 (MANE Select); coding-DNA position 314, T replaced by A.
Protein change: p.Leu105Ter; replaces leucine 105 with a stop codon.
Molecular consequence: nonsense.
Genome position (GRCh38, 1-based): chr13:32,319,323, T>A. VCF-style: chr13-32319323-T-A. GRCh37 (hg19) VCF-style: chr13-32893460-T-A.
Other names: short protein forms L105*.
Identifiers: ClinVar variation 647876 (VCV000647876.9), dbSNP rs80358561, ClinGen allele CA387754728.